The following is an entry in ClinVar:

NM_001394062.1(MACF1):c.1863T>C (p.His621=)

Gene: MACF1 (microtubule actin crosslinking factor 1; plus strand). Cytogenetic location: 1p34.3.
Variant type: single nucleotide variant.
Coding change: c.1863T>C on transcript NM_001394062.1 (MANE Select); coding-DNA position 1863, T replaced by C.
Protein change: p.His621=; no amino-acid change (histidine 621 retained).
Molecular consequence: synonymous variant.
Genome position (GRCh38, 1-based): chr1:39,291,987, T>C. VCF-style: chr1-39291987-T-C. GRCh37 (hg19) VCF-style: chr1-39757659-T-C.
Other names: c.1878T>C, p.His626= (NM_012090.5).
Identifiers: ClinVar variation 3029887 (VCV003029887.2), dbSNP rs2521466225, ClinGen allele CA417281706.

ClinVar aggregate classification (germline): Likely benign (0 of 4 stars; one submission).

Conditions:
MACF1-related disorder. Also called: MACF1-related condition.

Allele frequency attached by ClinVar (database versions not stated): gnomAD exomes below 0.00001.
gnomAD v4.1: 4 of 1,614,098 alleles (0.00025%); highest among the groups gnomAD compares: Non-Finnish European, 0.00034%; no homozygotes.

Submission:

PreventionGenetics, part of Exact Sciences
Classification: Likely benign for MACF1-related condition. Last evaluated: 2021-05-12. Review status: no assertion criteria provided. Collection method: clinical testing. Allele origin: germline.
Comment: This variant is classified as likely benign based on ACMG/AMP sequence variant interpretation guidelines (Richards et al. 2015 PMID: 25741868, with internal and published modifications).